The following is an entry in ClinVar:

ClinVar aggregate classification (germline): Uncertain significance (1 of 4 stars; one submission).

Conditions:
LAMA2-related muscular dystrophy (LAMA2-RD). Also called: Laminin alpha 2-related dystrophy. Identifiers: MedGen C5679788, MONDO:0100228.

Submission:

Labcorp Genetics (formerly Invitae), Labcorp
Classification: Uncertain significance for LAMA2-related muscular dystrophy. Last evaluated: 2023-03-01. Review status: criteria provided, single submitter. Criteria: Invitae Variant Classification Sherloc (09022015). Collection method: clinical testing. Allele origin: germline.
Comment: This sequence change falls in intron 29 of the LAMA2 gene. It does not directly change the encoded amino acid sequence of the LAMA2 protein. This variant is not present in population databases (gnomAD no frequency). This variant has not been reported in the literature in individuals affected with LAMA2-related conditions. Algorithms developed to predict the effect of sequence changes on RNA splicing suggest that this variant may create or strengthen a splice site. In summary, the available evidence is currently insufficient to determine the role of this variant in disease. Therefore, it has been classified as a Variant of Uncertain Significance.

NM_000426.4(LAMA2):c.4311+10T>G

Gene: LAMA2 (laminin subunit alpha 2; plus strand). Cytogenetic location: 6q22.33.
Variant type: single nucleotide variant.
Coding change: c.4311+10T>G on transcript NM_000426.4 (MANE Select); 10 bases into the intron after coding-DNA position 4311, T replaced by G.
Molecular consequence: intron variant.
Genome position (GRCh38, 1-based): chr6:129,328,422, T>G. VCF-style: chr6-129328422-T-G. GRCh37 (hg19) VCF-style: chr6-129649567-T-G.
Other names: c.4311+10T>G (NM_001079823.2).
Identifiers: ClinVar variation 2821075 (VCV002821075.3), dbSNP rs2482476602, ClinGen allele CA2739266104.